The following is an entry in ClinVar:

NM_001378183.1(PIEZO2):c.5347G>C (p.Glu1783Gln)

Gene: PIEZO2 (piezo type mechanosensitive ion channel component 2; minus strand). Cytogenetic location: 18p11.22.
Variant type: single nucleotide variant.
Coding change: c.5347G>C on transcript NM_001378183.1 (MANE Select); coding-DNA position 5347, G replaced by C.
Protein change: p.Glu1783Gln; replaces glutamic acid 1783 with glutamine.
Molecular consequence: missense variant.
Genome position (GRCh38, 1-based): chr18:10,714,840, C>G on the plus strand (G>C on the coding strand, the complement: PIEZO2 is on the minus strand). VCF-style: chr18-10714840-C-G. GRCh37 (hg19) VCF-style: chr18-10714838-C-G.
Other names: c.5248G>C, p.Glu1750Gln (NM_001410871.1); c.5173G>C, p.Glu1725Gln (NM_022068.4); short protein forms E1725Q, E1750Q, E1783Q.
Identifiers: ClinVar variation 3233559 (VCV003233559.2), dbSNP rs779439901, ClinGen allele CA8892343.

ClinVar aggregate classification (germline): Uncertain significance (1 of 4 stars; one submission).

Allele frequency attached by ClinVar (database versions not stated): gnomAD 0.00001; ExAC 0.00006.
gnomAD v4.1: 13 of 1,537,094 alleles (0.00085%); highest among the groups gnomAD compares: South Asian, 0.014%; 1 homozygote.

Submission:

Women's Health and Genetics/Laboratory Corporation of America, LabCorp
Classification: Uncertain significance. Last evaluated: 2024-03-08. Review status: criteria provided, single submitter. Criteria: LabCorp Variant Classification Summary - May 2015. Collection method: clinical testing. Allele origin: germline.
Comment: Variant summary: PIEZO2 c.5173G>C (p.Glu1725Gln) results in a conservative amino acid change in the encoded protein sequence. Four of four in-silico tools predict a benign effect of the variant on protein function. The variant allele was found at a frequency of 2.8e-05 in 141904 control chromosomes. The available data on variant occurrences in the general population are insufficient to allow any conclusion about variant significance. To our knowledge, no occurrence of c.5173G>C in individuals affected with PIEZO2-Related Disorders and no experimental evidence demonstrating its impact on protein function have been reported. No submitters have cited clinical-significance assessments for this variant to ClinVar. Based on the evidence outlined above, the variant was classified as uncertain significance.